The following is an entry in ClinVar:

NM_182641.4(BPTF):c.8625dup (p.Asn2876Ter)

Gene: BPTF (bromodomain PHD finger transcription factor; plus strand). Cytogenetic location: 17q24.2.
Variant type: Duplication.
Coding change: c.8625dup on transcript NM_182641.4 (MANE Select); coding-DNA position 8625, one base duplicated (T; older notation c.8625dupT).
Protein change: p.Asn2876Ter; replaces asparagine 2876 with a stop codon.
Molecular consequence: nonsense.
Genome position (GRCh38, 1-based): chr17:67,975,857, T duplicated. VCF-style (leftmost placement, unchanged base first): chr17-67975856-A-AT. GRCh37 (hg19) VCF-style: chr17-65971972-A-AT.
Other names: c.8574dupT (NM_004459.7); c.8574dup, p.Asn2859Ter (NM_004459.7); short protein forms N2876*, N2859*.
Identifiers: ClinVar variation 689464 (VCV000689464.1), dbSNP rs1599044870, ClinGen allele CA915952163.

ClinVar aggregate classification (germline): Likely pathogenic (1 of 4 stars; one submission).

Conditions:
Neurodevelopmental disorder with dysmorphic facies and distal limb anomalies. Identifiers: Orphanet 686482, MedGen C4540327, MONDO:0060596, OMIM 617755.

Submission:

Johns Hopkins Genomics, Johns Hopkins University
Classification: Likely pathogenic for Neurodevelopmental disorder with dysmorphic facies and distal limb anomalies. Last evaluated: 2019-06-13. Review status: criteria provided, single submitter. Criteria: ACMG Guidelines, 2015. Collection method: clinical testing. Allele origin: germline.
Comment: This BPTF variant is absent from large population datasets and has not been reported in ClinVar nor the literature, to our knowledge. This nonsense variant results in a premature stop codon in exon 29, the penultimate exon of BPTF. As this variant is not located within the last 50 nucleotides of this exon, it is likely associated with nonsense-mediated decay and lack of protein production. This variant is considered likely pathogenic.